The following is an entry in ClinVar:

ClinVar aggregate classification (germline): Pathogenic. Review status: criteria provided, multiple submitters, no conflicts (2 of 4 stars). 4 submissions from 4 submitters: Pathogenic (4). Last evaluated 2023-12-03.

Conditions:
NF1-related disorder. Also called: NF1-related condition. Identifiers: MedGen CN379171.
Neurofibromatosis, type 1 (NF1). Also called: VON RECKLINGHAUSEN DISEASE; NEUROFIBROMATOSIS, TYPE I, SOMATIC; Neurofibromatosis, type I; Peripheral type neurofibromatosis. Identifiers: Orphanet 636, MedGen C0027831, MONDO:0018975, OMIM 162200. Disease mechanism: loss of function.

Submissions (4):

Labcorp Genetics (formerly Invitae), Labcorp
Classification: Pathogenic for Neurofibromatosis, type 1. Last evaluated: 2023-12-03. Review status: criteria provided, single submitter. Criteria: Invitae Variant Classification Sherloc (09022015). Collection method: clinical testing. Allele origin: germline.
Comment: This sequence change creates a premature translational stop signal (p.Phe1247Valfs*2) in the NF1 gene. It is expected to result in an absent or disrupted protein product. Loss-of-function variants in NF1 are known to be pathogenic (PMID: 10712197, 23913538). This variant is not present in population databases (gnomAD no frequency). This variant has not been reported in the literature in individuals affected with NF1-related conditions. ClinVar contains an entry for this variant (Variation ID: 450458). For these reasons, this variant has been classified as Pathogenic.

PreventionGenetics, part of Exact Sciences
Classification: Pathogenic for NF1-related condition. Last evaluated: 2022-11-09. Review status: criteria provided, single submitter. Criteria: ACMG Guidelines, 2015. Collection method: clinical testing. Allele origin: germline.
Comment: The NF1 c.3737dupT variant is predicted to result in a frameshift and premature protein termination (p.Phe1247Valfs*2). To our knowledge, this variant has not been reported in the literature. This variant has not been reported in a large population database, indicating this variant is rare. In ClinVar, this variant has been interpreted as pathogenic. Frameshift variants in NF1 are expected to be pathogenic. This variant is interpreted as pathogenic.

Genome-Nilou Lab
Classification: Pathogenic for Neurofibromatosis, type 1. Last evaluated: 2022-03-15. Review status: criteria provided, single submitter. Criteria: ACMG Guidelines, 2015. Collection method: clinical testing. Allele origin: germline. Affected: no.

GeneDx
Classification: Pathogenic. Last evaluated: 2017-07-14. Review status: criteria provided, single submitter. Criteria: GeneDx Variant Classification (06012015). Collection method: clinical testing. Allele origin: germline. Affected: yes.
Comment: The c.3737dupT variant in the NF1 gene has not been reported previously as a pathogenic variant nor as a benign variant, to our knowledge. The c.3737dupT variant causes a frameshift starting with codon Phenylalanine 1247, changes this amino acid to a Valine residue, and creates a premature Stop codon at position 2 of the new reading frame, denoted p.Phe1247ValfsX2. This variant is predicted to cause loss of normal protein function either through protein truncation or nonsense-mediated mRNA decay. The c.3737dupT variant is not observed in large population cohorts (Lek et al., 2016; 1000 Genomes Consortium et al., 2015; Exome Variant Server). We interpret c.3737dupT as a pathogenic variant.

Literature cited by the submitters: PubMed 10712197 (cited by Labcorp Genetics (formerly Invitae), Labcorp); PubMed 23913538 (cited by Labcorp Genetics (formerly Invitae), Labcorp).

NM_001042492.3(NF1):c.3737dup (p.Phe1247fs)

Gene: NF1 (neurofibromin 1; plus strand). Cytogenetic location: 17q11.2.
Variant type: Duplication.
Coding change: c.3737dup on transcript NM_001042492.3 (MANE Select); coding-DNA position 3737, one base duplicated (T; older notation c.3737dupT).
Protein change: p.Phe1247fs; shifts the reading frame from phenylalanine 1247.
Molecular consequence: frameshift variant.
Genome position (GRCh38, 1-based): chr17:31,235,639, T duplicated. VCF-style (leftmost placement, unchanged base first): chr17-31235638-C-CT. GRCh37 (hg19) VCF-style: chr17-29562656-C-CT.
Other names: c.3737dupT (NM_001042492.2, NM_000267.3); c.3737dup, p.Phe1247Valfs (NM_000267.4); short protein forms F1247fs.
Identifiers: ClinVar variation 450458 (VCV000450458.9), dbSNP rs1555615445, ClinGen allele CA658656593.